The following is an entry in ClinVar:

NM_001081.4(CUBN):c.4676C>A (p.Pro1559Gln)

Gene: CUBN (cubilin; minus strand). Cytogenetic location: 10p13.
Variant type: single nucleotide variant.
Coding change: c.4676C>A on transcript NM_001081.4 (MANE Select); coding-DNA position 4676, C replaced by A.
Protein change: p.Pro1559Gln; replaces proline 1559 with glutamine.
Molecular consequence: missense variant.
Genome position (GRCh38, 1-based): chr10:16,982,503, G>T on the plus strand (C>A on the coding strand, the complement: CUBN is on the minus strand). VCF-style: chr10-16982503-G-T. GRCh37 (hg19) VCF-style: chr10-17024502-G-T.
Other names: short protein forms P1559Q.
Identifiers: ClinVar variation 2106121 (VCV002106121.4), dbSNP rs1351560538, ClinGen allele CA376142861.

ClinVar aggregate classification (germline): Uncertain significance (1 of 4 stars; one submission).

Conditions:
Imerslund-Grasbeck syndrome. Also called: PERNICIOUS ANEMIA, JUVENILE, DUE TO SELECTIVE INTESTINAL MALABSORPTION OF VITAMIN B12, WITH PROTEINURIA; Megaloblastic anemia due to inborn errors of metabolism; Imerslund-Gräsbeck syndrome; ENTEROCYTE COBALAMIN MALABSORPTION; ENTEROCYTE INTRINSIC FACTOR RECEPTOR, DEFECT OF. Identifiers: Orphanet 35858, MedGen C4551825, MONDO:0009853.

Submission:

Labcorp Genetics (formerly Invitae), Labcorp
Classification: Uncertain significance for Imerslund-Grasbeck syndrome. Last evaluated: 2022-03-04. Review status: criteria provided, single submitter. Criteria: Invitae Variant Classification Sherloc (09022015). Collection method: clinical testing. Allele origin: germline.
Comment: This variant is not present in population databases (gnomAD no frequency). In summary, the available evidence is currently insufficient to determine the role of this variant in disease. Therefore, it has been classified as a Variant of Uncertain Significance. Algorithms developed to predict the effect of missense changes on protein structure and function are either unavailable or do not agree on the potential impact of this missense change (SIFT: "Tolerated"; PolyPhen-2: "Possibly Damaging"; Align-GVGD: "Class C0"). This variant has not been reported in the literature in individuals affected with CUBN-related conditions. This sequence change replaces proline, which is neutral and non-polar, with glutamine, which is neutral and polar, at codon 1559 of the CUBN protein (p.Pro1559Gln).